The following is an entry in ClinVar:

NM_153704.6(TMEM67):c.1474T>C (p.Tyr492His)

Gene: TMEM67 (transmembrane protein 67; plus strand). Cytogenetic location: 8q22.1.
Variant type: single nucleotide variant.
Coding change: c.1474T>C on transcript NM_153704.6 (MANE Select); coding-DNA position 1474, T replaced by C.
Protein change: p.Tyr492His; replaces tyrosine 492 with histidine.
Molecular consequence: missense variant. On other transcripts: non-coding transcript variant (1).
Genome position (GRCh38, 1-based): chr8:93,787,905, T>C. VCF-style: chr8-93787905-T-C. GRCh37 (hg19) VCF-style: chr8-94800133-T-C.
Other names: c.1231T>C, p.Tyr411His (NM_001142301.1); short protein forms Y492H, Y411H.
Identifiers: ClinVar variation 4996660 (VCV004996660.1).

ClinVar aggregate classification (germline): Uncertain significance (1 of 4 stars; one submission).

Conditions:
TMEM67-related disorder. Also called: TMEM67-related disorders; TMEM67-related condition. Identifiers: MedGen CN239423.

Submission:

PreventionGenetics, part of Exact Sciences
Classification: Uncertain significance for TMEM67-related condition. Last evaluated: 2026-07-30. Review status: criteria provided, single submitter. Criteria: ACMG Guidelines, 2015. Collection method: clinical testing. Allele origin: germline.
Comment: The TMEM67 c.1474T>C variant is predicted to result in the amino acid substitution p.Tyr492His. To our knowledge, this variant has not been reported in the literature or in a large population database (gnomAD), indicating this variant is rare. At this time, the clinical significance of this variant is uncertain due to the absence of conclusive functional and genetic evidence.